The following is an entry in ClinVar:

ClinVar aggregate classification (germline): Uncertain significance. Review status: criteria provided, multiple submitters, no conflicts (2 of 4 stars). 2 submissions from 2 submitters: Uncertain significance (2). Last evaluated 2023-07-13.

Conditions:
Idiopathic generalized epilepsy. Also called: Generalised epilepsy; EIG. Identifiers: MedGen C0270850, MONDO:0005579, OMIM 600669.
Hyperaldosteronism, familial, type IV (HALD4). Also called: FH IV; ALDOSTERONISM, PRIMARY, AND HYPERTENSION. Identifiers: Orphanet 642671, MedGen C4310756, MONDO:0014875, OMIM 617027.

Allele frequency attached by ClinVar (database versions not stated): gnomAD exomes below 0.00001.
gnomAD v4.1: 2 of 1,552,144 alleles (0.00013%); highest among the groups gnomAD compares: Non-Finnish European, 0.00017%; no homozygotes.

Submissions (2):

Blueprint Genetics
Classification: Uncertain significance. Last evaluated: 2023-07-13. Review status: criteria provided, single submitter. Criteria: ACMG Guidelines, 2015. Collection method: clinical testing. Allele origin: germline.

Labcorp Genetics (formerly Invitae), Labcorp
Classification: Uncertain significance for Idiopathic generalized epilepsy; Hyperaldosteronism, familial, type IV. Last evaluated: 2022-08-09. Review status: criteria provided, single submitter. Criteria: Invitae Variant Classification Sherloc (09022015). Collection method: clinical testing. Allele origin: germline.
Comment: This sequence change replaces serine, which is neutral and polar, with asparagine, which is neutral and polar, at codon 574 of the CACNA1H protein (p.Ser574Asn). In summary, the available evidence is currently insufficient to determine the role of this variant in disease. Therefore, it has been classified as a Variant of Uncertain Significance. Advanced modeling of protein sequence and biophysical properties (such as structural, functional, and spatial information, amino acid conservation, physicochemical variation, residue mobility, and thermodynamic stability) performed at Invitae indicates that this missense variant is not expected to disrupt CACNA1H protein function. ClinVar contains an entry for this variant (Variation ID: 1043066). This variant has not been reported in the literature in individuals affected with CACNA1H-related conditions. This variant is not present in population databases (gnomAD no frequency).

NM_021098.3(CACNA1H):c.1721G>A (p.Ser574Asn)

Gene: CACNA1H (calcium voltage-gated channel subunit alpha1 H; plus strand). Cytogenetic location: 16p13.3.
Variant type: single nucleotide variant.
Coding change: c.1721G>A on transcript NM_021098.3 (MANE Select); coding-DNA position 1721, G replaced by A.
Protein change: p.Ser574Asn; replaces serine 574 with asparagine.
Molecular consequence: missense variant.
Genome position (GRCh38, 1-based): chr16:1,202,171, G>A. VCF-style: chr16-1202171-G-A. GRCh37 (hg19) VCF-style: chr16-1252171-G-A.
Other names: c.1721G>A, p.Ser574Asn (NM_001005407.2); short protein forms S574N.
Identifiers: ClinVar variation 1043066 (VCV001043066.9), dbSNP rs1968018663, ClinGen allele CA394162101.